The following is an entry in ClinVar:

NM_001042492.3(NF1):c.6139del (p.Ser2047fs)

Gene: NF1 (neurofibromin 1; plus strand). Cytogenetic location: 17q11.2.
Variant type: Deletion.
Coding change: c.6139del on transcript NM_001042492.3 (MANE Select); coding-DNA position 6139, one base deleted (T; older notation c.6139delT).
Protein change: p.Ser2047fs; shifts the reading frame from serine 2047.
Molecular consequence: frameshift variant.
Genome position (GRCh38, 1-based): chr17:31,336,465, T deleted; the last of 3 consecutive T bases (chr17:31,336,463-31,336,465); deleting any one gives the same sequence. VCF-style (leftmost placement, unchanged base first): chr17-31336462-GT-G. GRCh37 (hg19) VCF-style: chr17-29663480-GT-G.
Other names: c.6076delT, p.Ser2026Glnfs (NM_000267.4); short protein forms S2026fs, S2047fs.
Identifiers: ClinVar variation 969515 (VCV000969515.6), dbSNP rs2069671730, ClinGen allele CA1139665402.

ClinVar aggregate classification (germline): Pathogenic (1 of 4 stars; one submission).

Conditions:
Neurofibromatosis, type 1 (NF1). Also called: Neurofibromatosis, type I; Peripheral type neurofibromatosis; VON RECKLINGHAUSEN DISEASE; NEUROFIBROMATOSIS, TYPE I, SOMATIC. Identifiers: Orphanet 636, MedGen C0027831, MONDO:0018975, OMIM 162200. Disease mechanism: loss of function.

Submission:

Labcorp Genetics (formerly Invitae), Labcorp
Classification: Pathogenic for Neurofibromatosis, type 1. Last evaluated: 2019-11-07. Review status: criteria provided, single submitter. Criteria: Invitae Variant Classification Sherloc (09022015). Collection method: clinical testing. Allele origin: germline.
Comment: This sequence change creates a premature translational stop signal (p.Ser2026Glnfs*11) in the NF1 gene. It is expected to result in an absent or disrupted protein product. This variant has not been reported in the literature in individuals with NF1-related conditions. This variant is not present in population databases (ExAC no frequency). Loss-of-function variants in NF1 are known to be pathogenic (PMID: 10712197, 23913538). For these reasons, this variant has been classified as Pathogenic.

Literature cited by the submitters: PubMed 10712197; PubMed 23913538.